The following is an entry in ClinVar:

ClinVar aggregate classification (germline): Conflicting classifications of pathogenicity. Review status: criteria provided, conflicting classifications (1 of 4 stars). 3 submissions from 3 submitters: Uncertain significance (2); Likely benign (1). Last evaluated 2025-11-05.

Conditions:
Neurofibromatosis, type 1 (NF1). Also called: Peripheral type neurofibromatosis; VON RECKLINGHAUSEN DISEASE; Neurofibromatosis, type I; NEUROFIBROMATOSIS, TYPE I, SOMATIC. Identifiers: Orphanet 636, MedGen C0027831, MONDO:0018975, OMIM 162200. Disease mechanism: loss of function.
Cardiovascular phenotype. Identifiers: MedGen CN230736.
Hereditary cancer-predisposing syndrome. Also called: Hereditary neoplastic syndrome; Neoplastic Syndromes, Hereditary; Hereditary Cancer Syndrome; Tumor predisposition. Identifiers: Orphanet 140162, MedGen C0027672, MeSH D009386, MONDO:0015356.

Allele frequency attached by ClinVar (database versions not stated): gnomAD exomes below 0.00001; gnomAD 0.00001; TOPMed 0.00002.
gnomAD v4.1: 3 of 1,613,606 alleles (0.00019%); highest among the groups gnomAD compares: African/African-American, 0.004%; no homozygotes.

Submissions (3):

Labcorp Genetics (formerly Invitae), Labcorp
Classification: Likely benign for Neurofibromatosis, type 1. Last evaluated: 2025-11-05. Review status: criteria provided, single submitter. Criteria: Invitae Variant Classification Sherloc (09022015). Collection method: clinical testing. Allele origin: germline.

Ambry Genetics
Classification: Uncertain significance for Cardiovascular phenotype; Hereditary cancer-predisposing syndrome. Last evaluated: 2024-03-04. Review status: criteria provided, single submitter. Criteria: Ambry Variant Classification Scheme 2023. Collection method: clinical testing. Allele origin: germline.
Comment: The c.5547-4C>G intronic variant results from a C to G substitution 4 nucleotides upstream from coding exon 38 in the NF1 gene. This nucleotide position is not well conserved in available vertebrate species. In silico splice site analysis for this alteration is inconclusive; however, direct evidence is insufficient at this time (Ambry internal data). Since supporting evidence is limited at this time, the clinical significance of this alteration remains unclear.

Genome-Nilou Lab
Classification: Uncertain significance for Neurofibromatosis, type 1. Last evaluated: 2022-03-15. Review status: criteria provided, single submitter. Criteria: ACMG Guidelines, 2015. Collection method: clinical testing. Allele origin: germline. Affected: no.

NM_001042492.3(NF1):c.5610-4C>G

Gene: NF1 (neurofibromin 1; plus strand). Cytogenetic location: 17q11.2.
Variant type: single nucleotide variant.
Coding change: c.5610-4C>G on transcript NM_001042492.3 (MANE Select); 4 bases into the intron before coding-DNA position 5610, C replaced by G.
Molecular consequence: intron variant.
Genome position (GRCh38, 1-based): chr17:31,330,292, C>G. VCF-style: chr17-31330292-C-G. GRCh37 (hg19) VCF-style: chr17-29657310-C-G.
Other names: c.5547-4C>G (NM_000267.4).
Identifiers: ClinVar variation 571440 (VCV000571440.11), dbSNP rs1419030713, ClinGen allele CA728005382.